The following is an entry in ClinVar:

ClinVar aggregate classification (germline): Uncertain significance. Review status: criteria provided, multiple submitters, no conflicts (2 of 4 stars). 2 submissions from 2 submitters: Uncertain significance (2). Last evaluated 2024-12-15.

Conditions:
Inborn genetic diseases. Identifiers: MedGen C0950123, MeSH D030342.

gnomAD v4.1: 1 of 1,613,986 alleles (0.000062%); no homozygotes.

Submissions (2):

Labcorp Genetics (formerly Invitae), Labcorp
Classification: Uncertain significance. Last evaluated: 2024-12-15. Review status: criteria provided, single submitter. Criteria: Invitae Variant Classification Sherloc (09022015). Collection method: clinical testing. Allele origin: germline.
Comment: This sequence change replaces aspartic acid, which is acidic and polar, with tyrosine, which is neutral and polar, at codon 151 of the AUTS2 protein (p.Asp151Tyr). This variant is present in population databases (no rsID available, gnomAD no frequency). This variant has not been reported in the literature in individuals affected with AUTS2-related conditions. ClinVar contains an entry for this variant (Variation ID: 3132372). An algorithm developed to predict the effect of missense changes on protein structure and function (PolyPhen-2) suggests that this variant is likely to be disruptive. In summary, the available evidence is currently insufficient to determine the role of this variant in disease. Therefore, it has been classified as a Variant of Uncertain Significance.

Ambry Genetics
Classification: Uncertain significance for Inborn genetic diseases. Last evaluated: 2023-10-02. Review status: criteria provided, single submitter. Criteria: Ambry Variant Classification Scheme 2023. Collection method: clinical testing. Allele origin: germline.

NM_015570.4(AUTS2):c.451G>T (p.Asp151Tyr)

Gene: AUTS2 (activator of transcription and developmental regulator AUTS2; plus strand). Cytogenetic location: 7q11.22.
Variant type: single nucleotide variant.
Coding change: c.451G>T on transcript NM_015570.4 (MANE Select); coding-DNA position 451, G replaced by T.
Protein change: p.Asp151Tyr; replaces aspartic acid 151 with tyrosine.
Molecular consequence: missense variant.
Genome position (GRCh38, 1-based): chr7:69,899,427, G>T. VCF-style: chr7-69899427-G-T. GRCh37 (hg19) VCF-style: chr7-69364413-G-T.
Other names: c.451G>T, p.Asp151Tyr (NM_001127231.3, NM_001127232.3); short protein forms D151Y.
Identifiers: ClinVar variation 3132372 (VCV003132372.3), dbSNP rs1351773247, ClinGen allele CA367703626.